The following is an entry in ClinVar:

ClinVar aggregate classification (germline): Uncertain significance (1 of 4 stars; one submission).

Conditions:
ARHGEF28-related disorder. Also called: ARHGEF28-related condition.

Submission:

PreventionGenetics, part of Exact Sciences
Classification: Uncertain significance for ARHGEF28-related condition. Last evaluated: 2024-11-21. Review status: criteria provided, single submitter. Criteria: ACMG Guidelines, 2015. Collection method: clinical testing. Allele origin: germline.
Comment: The ARHGEF28 c.425A>T variant is predicted to result in the amino acid substitution p.His142Leu. To our knowledge, this variant has not been reported in the literature or in a large population database (gnomAD), indicating this variant is rare. At this time, the clinical significance of this variant is uncertain due to the absence of conclusive functional and genetic evidence.

NM_001177693.2(ARHGEF28):c.425A>T (p.His142Leu)

Gene: ARHGEF28 (Rho guanine nucleotide exchange factor 28; plus strand). Cytogenetic location: 5q13.2.
Variant type: single nucleotide variant.
Coding change: c.425A>T on transcript NM_001177693.2 (MANE Select); coding-DNA position 425, A replaced by T.
Protein change: p.His142Leu; replaces histidine 142 with leucine.
Molecular consequence: missense variant. On other transcripts: intron variant (1).
Genome position (GRCh38, 1-based): chr5:73,753,152, A>T. VCF-style: chr5-73753152-A-T. GRCh37 (hg19) VCF-style: chr5-73048977-A-T.
Other names: c.425A>T, p.His142Leu (NM_001080479.3, NM_001388078.1); c.181+3168A>T (NM_001388076.1); short protein forms H142L.
Identifiers: ClinVar variation 5000107 (VCV005000107.1).